The following is an entry in ClinVar:

NM_004239.4(TRIP11):c.2057G>A (p.Cys686Tyr)

Gene: TRIP11 (thyroid hormone receptor interactor 11; minus strand). Cytogenetic location: 14q32.12.
Variant type: single nucleotide variant.
Coding change: c.2057G>A on transcript NM_004239.4 (MANE Select); coding-DNA position 2057, G replaced by A.
Protein change: p.Cys686Tyr; replaces cysteine 686 with tyrosine.
Molecular consequence: missense variant.
Genome position (GRCh38, 1-based): chr14:92,005,919, C>T on the plus strand (G>A on the coding strand, the complement: TRIP11 is on the minus strand). VCF-style: chr14-92005919-C-T. GRCh37 (hg19) VCF-style: chr14-92472263-C-T.
Other names: c.2054G>A, p.Cys685Tyr (NM_001321851.1); short protein forms C685Y, C686Y.
Identifiers: ClinVar variation 4806231 (VCV004806231.1).

ClinVar aggregate classification (germline): Uncertain significance (1 of 4 stars; one submission).

Conditions:
Achondrogenesis, type IA (ACG1A). Identifiers: Orphanet 932, Orphanet 93299, MedGen C0265273, MONDO:0008701, OMIM 200600.

gnomAD v4.1: 4 of 1,613,680 alleles (0.00025%); highest among the groups gnomAD compares: Non-Finnish European, 0.00034%; no homozygotes.

Submission:

Labcorp Genetics (formerly Invitae), Labcorp
Classification: Uncertain significance for Achondrogenesis, type IA. Last evaluated: 2025-12-10. Review status: criteria provided, single submitter. Criteria: Invitae Variant Classification Sherloc (09022015). Collection method: clinical testing. Allele origin: germline.
Comment: This sequence change replaces cysteine, which is neutral and slightly polar, with tyrosine, which is neutral and polar, at codon 686 of the TRIP11 protein (p.Cys686Tyr). This variant is not present in population databases (gnomAD no frequency). This missense change has been observed in individual(s) with TRIP11-related conditions (PMID: 33057194, 35982159). Invitae Evidence Modeling of protein sequence and biophysical properties (such as structural, functional, and spatial information, amino acid conservation, physicochemical variation, residue mobility, and thermodynamic stability) indicates that this missense variant is not expected to disrupt TRIP11 protein function with a negative predictive value of 80%. In summary, the available evidence is currently insufficient to determine the role of this variant in disease. Therefore, it has been classified as a Variant of Uncertain Significance.

Literature cited by the submitters: PubMed 33057194; PubMed 35982159.